The following is an entry in ClinVar:

NM_002471.4(MYH6):c.2750T>C (p.Leu917Pro)

Gene: MYH6 (myosin heavy chain 6; minus strand). Cytogenetic location: 14q11.2.
Variant type: single nucleotide variant.
Coding change: c.2750T>C on transcript NM_002471.4 (MANE Select); coding-DNA position 2750, T replaced by C.
Protein change: p.Leu917Pro; replaces leucine 917 with proline.
Molecular consequence: missense variant.
Genome position (GRCh38, 1-based): chr14:23,393,844, A>G on the plus strand (T>C on the coding strand, the complement: MYH6 is on the minus strand). VCF-style: chr14-23393844-A-G. GRCh37 (hg19) VCF-style: chr14-23863053-A-G.
Other names: short protein forms L917P.
Identifiers: ClinVar variation 2452908 (VCV002452908.3), dbSNP rs2502170728, ClinGen allele CA389012985.
Genomic context (GRCh38, chr14:23,393,844, plus strand): 5'-TCCGCGTTCATCTCCTCCTCATCCTCCAGCCTCTCATTCATCTCCTTTACTTTGGCCTCC[A>G]GCTGAATCTTGTTTTTGATCAGCTGGTCGCAGCGCTCCTCAGCATCATTGAGGTTGTCTT-3'
Protein context (NP_002462.2, residues 907-927): CDQLIKNKIQ[Leu917Pro]EAKVKEMNER

ClinVar aggregate classification (germline): Uncertain significance. Review status: criteria provided, single submitter (1 of 4 stars). 2 submissions from 2 submitters: Uncertain significance (1). 1 of the submissions does not count toward it. Last evaluated 2022-11-20.

Conditions:
Cardiovascular phenotype. Identifiers: MedGen CN230736.
MYH6-related disorder. Also called: MYH6-Related Disorders; MYH6-related condition.

Submissions (2):

Ambry Genetics
Classification: Uncertain significance for Cardiovascular phenotype. Last evaluated: 2022-11-20. Review status: criteria provided, single submitter. Criteria: Ambry Variant Classification Scheme 2023. Collection method: clinical testing. Allele origin: germline.
Comment: The p.L917P variant (also known as c.2750T>C), located in coding exon 20 of the MYH6 gene, results from a T to C substitution at nucleotide position 2750. The leucine at codon 917 is replaced by proline, an amino acid with similar properties. This amino acid position is conserved. In addition, this alteration is predicted to be deleterious by in silico analysis. Since supporting evidence is limited at this time, the clinical significance of this alteration remains unclear.

PreventionGenetics, part of Exact Sciences
Classification: Uncertain significance for MYH6-related condition. Last evaluated: 2024-06-14. Review status: no assertion criteria provided. Collection method: clinical testing. Allele origin: germline. Not counted in ClinVar's aggregate classification.
Comment: The MYH6 c.2750T>C variant is predicted to result in the amino acid substitution p.Leu917Pro. To our knowledge, this variant has not been reported in the literature or in a large population database, indicating this variant is rare. At this time, the clinical significance of this variant is uncertain due to the absence of conclusive functional and genetic evidence.